The following is an entry in ClinVar:

NM_032217.5(ANKRD17):c.1945_1950del (p.Leu649_Ile650del)

Gene: ANKRD17 (ankyrin repeat domain 17; minus strand). Cytogenetic location: 4q13.3.
Variant type: Deletion.
Coding change: c.1945_1950del on transcript NM_032217.5 (MANE Select); coding-DNA positions 1945 to 1950, 6 bases deleted (TTAATT; older notation c.1945_1950delTTAATT).
Protein change: p.Leu649_Ile650del.
Molecular consequence: inframe deletion.
Genome position (GRCh38, 1-based): chr4:73,144,752-73,144,757, AATTAA deleted on the plus strand (TTAATT on the coding strand, the reverse complement: ANKRD17 is on the minus strand). VCF-style (leftmost placement, unchanged base first): chr4-73144751-TAATTAA-T. GRCh37 (hg19) VCF-style: chr4-74010468-TAATTAA-T.
Other names: c.1606_1611del, p.Leu536_Ile537del (NM_001286771.3); c.1945_1950del, p.Leu649_Ile650del (NM_015574.2, NM_198889.3).
Identifiers: ClinVar variation 3235970 (VCV003235970.1), dbSNP rs2531069088, ClinGen allele CA2825001296.
Genomic context (GRCh38, chr4:73,144,751, plus strand): 5'-GAAGGCAGGGGTAGATACCTTTCAAAAAAAGACAACTGTTTTATACAAACCTACCTTTAC[TAATTAA>T]GAACTGAACAGTACAAACATGACCAGCTCTTGCAGCTTTCATTAAAGGAGTTCTTCCACC-3'

ClinVar aggregate classification (germline): Uncertain significance (1 of 4 stars; one submission).

Conditions:
Chopra-Amiel-Gordon syndrome (CAGS). Also called: ANKRD17-Related Neurodevelopmental Syndrome. Identifiers: MedGen C5561975, MONDO:0859186, OMIM 619504.

Submission:

MVZ Medizinische Genetik Mainz
Classification: Uncertain significance for Chopra-Amiel-Gordon syndrome. Last evaluated: 2023-02-02. Review status: criteria provided, single submitter. Criteria: UK Practice Guidelines For Variant Classification V4 01 2020. Collection method: clinical testing. Allele origin: germline. Inheritance: Autosomal dominant inheritance. Affected: yes. Observed: 1 variant allele.
Comment: ACMG Criteria: PM4, PM2_SUP